The following is an entry in ClinVar:

ClinVar aggregate classification (germline): Conflicting classifications of pathogenicity. Review status: criteria provided, conflicting classifications (1 of 4 stars). 2 submissions from 2 submitters: Uncertain significance (1); Likely benign (1). Last evaluated 2023-02-07.

Allele frequency attached by ClinVar (database versions not stated): TOPMed 0.00082; ExAC 0.00086; gnomAD 0.00090; ESP Exome Variant Server 0.00138.
gnomAD v4.1: 1,317 of 1,614,044 alleles (0.082%); highest among the groups gnomAD compares: Non-Finnish European, 0.1%; 5 homozygotes.

Submissions (2):

GeneDx
Classification: Uncertain significance. Last evaluated: 2023-02-07. Review status: criteria provided, single submitter. Criteria: GeneDx Variant Classification Process June 2021. Collection method: clinical testing. Allele origin: germline. Affected: yes.
Comment: In silico analysis supports that this missense variant has a deleterious effect on protein structure/function; Identified in a cohort of patients with unexplained infertility in published literature (Aghajanova et al., 2015) and it was determined that there was no evidence of this variant causes infertility; This variant is associated with the following publications: (PMID: 25376457)

CeGaT Center for Human Genetics Tuebingen
Classification: Likely benign. Last evaluated: 2022-09-01. Review status: criteria provided, single submitter. Criteria: CeGaT Center For Human Genetics Tuebingen Variant Classification Criteria Version 2. Collection method: clinical testing. Allele origin: germline. Affected: yes. Observed: 1 variant allele.
Comment: NLRP2: BS2

NM_017852.5(NLRP2):c.1010G>A (p.Arg337Gln)

Gene: NLRP2 (NLR family pyrin domain containing 2; plus strand). Cytogenetic location: 19q13.42.
Variant type: single nucleotide variant.
Coding change: c.1010G>A on transcript NM_017852.5 (MANE Select); coding-DNA position 1010, G replaced by A.
Protein change: p.Arg337Gln; replaces arginine 337 with glutamine.
Molecular consequence: missense variant. On other transcripts: non-coding transcript variant (1).
Genome position (GRCh38, 1-based): chr19:54,982,708, G>A. VCF-style: chr19-54982708-G-A. GRCh37 (hg19) VCF-style: chr19-55494076-G-A.
Other names: c.1010G>A, p.Arg337Gln (NM_001174081.3); c.944G>A, p.Arg315Gln (NM_001174082.3); c.941G>A, p.Arg314Gln (NM_001174083.2); c.1001G>A, p.Arg334Gln (NM_001348003.2); short protein forms R314Q, R315Q, R334Q, R337Q.
Identifiers: ClinVar variation 2574744 (VCV002574744.25), dbSNP rs149735961, ClinGen allele CA310103570.